The following is an entry in ClinVar:

NM_001371904.1(APOA5):c.190C>G (p.Leu64Val)

Gene: APOA5 (apolipoprotein A5; minus strand). Cytogenetic location: 11q23.3.
Variant type: single nucleotide variant.
Coding change: c.190C>G on transcript NM_001371904.1 (MANE Select); coding-DNA position 190, C replaced by G.
Protein change: p.Leu64Val; replaces leucine 64 with valine.
Molecular consequence: missense variant.
Genome position (GRCh38, 1-based): chr11:116,791,039, G>C on the plus strand (C>G on the coding strand, the complement: APOA5 is on the minus strand). VCF-style: chr11-116791039-G-C. GRCh37 (hg19) VCF-style: chr11-116661755-G-C.
Other names: c.190C>G, p.Leu64Val (NM_001166598.2, NM_052968.5); short protein forms L64V.
Identifiers: ClinVar variation 3684034 (VCV003684034.2).
Genomic context (GRCh38, chr11:116,791,039, plus strand): 5'-GAGGAGCCTCGCTCCCACTCAGAGGCCTCAGCTTTTCCAGGAACTTGTTCATATTGTTGA[G>C]GTCTTGCTCAAGGCTGTCTTTCAGGGTCCTGGAGAAGGGGACAGATATCCAGGCCGTCAG-3'
Protein context (NP_001358833.1, residues 54-74): ATLKDSLEQD[Leu64Val]NNMNKFLEKL

ClinVar aggregate classification (germline): Uncertain significance (1 of 4 stars; one submission).

Submission:

Labcorp Genetics (formerly Invitae), Labcorp
Classification: Uncertain significance. Last evaluated: 2024-11-13. Review status: criteria provided, single submitter. Criteria: Invitae Variant Classification Sherloc (09022015). Collection method: clinical testing. Allele origin: germline.
Comment: This sequence change replaces leucine, which is neutral and non-polar, with valine, which is neutral and non-polar, at codon 64 of the APOA5 protein (p.Leu64Val). This variant is not present in population databases (gnomAD no frequency). This variant has not been reported in the literature in individuals affected with APOA5-related conditions. An algorithm developed to predict the effect of missense changes on protein structure and function outputs the following: PolyPhen-2: "Benign". The valine amino acid residue is found in multiple mammalian species, which suggests that this missense change does not adversely affect protein function. In summary, the available evidence is currently insufficient to determine the role of this variant in disease. Therefore, it has been classified as a Variant of Uncertain Significance.